The following is an entry in ClinVar:

ClinVar aggregate classification (germline): Uncertain significance (1 of 4 stars; one submission).

Conditions:
Infantile spasms. Also called: Infantile spasm. Identifiers: MedGen C3887898, HP:0012469.

Submission:

Labcorp Genetics (formerly Invitae), Labcorp
Classification: Uncertain significance for Infantile spasms. Last evaluated: 2021-09-02. Review status: criteria provided, single submitter. Criteria: Invitae Variant Classification Sherloc (09022015). Collection method: clinical testing. Allele origin: germline.
Comment: In summary, the available evidence is currently insufficient to determine the role of this variant in disease. Therefore, it has been classified as a Variant of Uncertain Significance. Algorithms developed to predict the effect of missense changes on protein structure and function (SIFT, PolyPhen-2, Align-GVGD) all suggest that this variant is likely to be tolerated. This variant has not been reported in the literature in individuals affected with PIK3AP1-related conditions. This variant is not present in population databases (ExAC no frequency). This sequence change replaces glycine with glutamic acid at codon 9 of the PIK3AP1 protein (p.Gly9Glu). The glycine residue is moderately conserved and there is a moderate physicochemical difference between glycine and glutamic acid.

NM_152309.3(PIK3AP1):c.26G>A (p.Gly9Glu)

Gene: PIK3AP1 (phosphoinositide-3-kinase adaptor protein 1; minus strand). Cytogenetic location: 10q24.1.
Variant type: single nucleotide variant.
Coding change: c.26G>A on transcript NM_152309.3 (MANE Select); coding-DNA position 26, G replaced by A.
Protein change: p.Gly9Glu; replaces glycine 9 with glutamic acid.
Molecular consequence: missense variant.
Genome position (GRCh38, 1-based): chr10:96,709,971, C>T on the plus strand (G>A on the coding strand, the complement: PIK3AP1 is on the minus strand). VCF-style: chr10-96709971-C-T. GRCh37 (hg19) VCF-style: chr10-98469728-C-T.
Other names: short protein forms G9E.
Identifiers: ClinVar variation 1472979 (VCV001472979.6), dbSNP rs1381486962, ClinGen allele CA377760571.